The following is an entry in ClinVar:

ClinVar aggregate classification (germline): Uncertain significance (1 of 4 stars; one submission).

Submission:

GeneDx
Classification: Uncertain significance. Last evaluated: 2023-11-01. Review status: criteria provided, single submitter. Criteria: GeneDx Variant Classification Process June 2021. Collection method: clinical testing. Allele origin: germline. Affected: yes.
Comment: Not observed at significant frequency in large population cohorts (gnomAD); In silico analysis supports that this missense variant has a deleterious effect on protein structure/function; Has not been previously published as pathogenic or benign to our knowledge

NM_001042492.3(NF1):c.5042A>T (p.Asn1681Ile)

Gene: NF1 (neurofibromin 1; plus strand). Cytogenetic location: 17q11.2.
Variant type: single nucleotide variant.
Coding change: c.5042A>T on transcript NM_001042492.3 (MANE Select); coding-DNA position 5042, A replaced by T.
Protein change: p.Asn1681Ile; replaces asparagine 1681 with isoleucine.
Molecular consequence: missense variant.
Genome position (GRCh38, 1-based): chr17:31,326,026, A>T. VCF-style: chr17-31326026-A-T. GRCh37 (hg19) VCF-style: chr17-29653044-A-T.
Other names: c.4979A>T, p.Asn1660Ile (NM_000267.4); short protein forms N1660I, N1681I.
Identifiers: ClinVar variation 3363613 (VCV003363613.1).